The following is an entry in ClinVar:

ClinVar aggregate classification (germline): Likely benign. Review status: criteria provided, multiple submitters, no conflicts (2 of 4 stars). 2 submissions from 2 submitters: Likely benign (2). Last evaluated 2024-12-20.

Submissions (2):

Women's Health and Genetics/Laboratory Corporation of America, LabCorp
Classification: Likely benign. Last evaluated: 2024-12-20. Review status: criteria provided, single submitter. Criteria: LabCorp Variant Classification Summary - May 2015. Collection method: clinical testing. Allele origin: germline.
Comment: Variant summary: HBB c.315+82_315+83delAG is located at a position not widely known to affect splicing. Consensus agreement among computation tools predict no significant impact on normal splicing. However, these predictions have yet to be confirmed by functional studies. The frequency of this variant in the general population could not be determined as the technology used for large population databases (ExAC, gnomAD, ESP, 1000G) cannot detect variants of this type. The available data on variant occurrences in the general population are insufficient to allow any conclusion about variant significance. To our knowledge, no occurrence of c.315+82_315+83delAG in individuals affected with Hemoglobinopathy and no experimental evidence demonstrating its impact on protein function have been reported. ClinVar contains an entry for this variant (Variation ID: 2852703). Based on the evidence outlined above, the variant was classified as likely benign.

Labcorp Genetics (formerly Invitae), Labcorp
Classification: Likely benign. Last evaluated: 2023-07-03. Review status: criteria provided, single submitter. Criteria: Invitae Variant Classification Sherloc (09022015). Collection method: clinical testing. Allele origin: germline.

NM_000518.5(HBB):c.315+82_315+83del

Genes: HBB (hemoglobin subunit beta; minus strand), LOC107133510 (origin of replication at HBB; plus strand), LOC110006319 (beta-globin gene 3' regulatory region; plus strand). Cytogenetic location: 11p15.4.
Variant type: Deletion.
Coding change: c.315+82_315+83del on transcript NM_000518.5 (MANE Select); bases 82 to 83 of the intron after coding-DNA position 315, 2 bases deleted (AG; older notation c.315+82_315+83delAG).
Molecular consequence: intron variant.
Genome position (GRCh38, 1-based): chr11:5,226,494-5,226,495, CT deleted on the plus strand (AG on the coding strand, the reverse complement: HBB is on the minus strand). VCF-style (leftmost placement, unchanged base first): chr11-5226493-CCT-C. GRCh37 (hg19) VCF-style: chr11-5247723-CCT-C.
Other names: c.315+82_315+83delAG (NM_000518.5).
Identifiers: ClinVar variation 2852703 (VCV002852703.4), dbSNP rs2494294686, ClinGen allele CA2739276171.